The following is an entry in ClinVar:

ClinVar aggregate classification (germline): Uncertain significance (1 of 4 stars; one submission).

Submission:

Labcorp Genetics (formerly Invitae), Labcorp
Classification: Uncertain significance. Last evaluated: 2022-08-15. Review status: criteria provided, single submitter. Criteria: Invitae Variant Classification Sherloc (09022015). Collection method: clinical testing. Allele origin: germline.
Comment: In summary, the available evidence is currently insufficient to determine the role of this variant in disease. Therefore, it has been classified as a Variant of Uncertain Significance. Variants that disrupt the consensus splice site are a relatively common cause of aberrant splicing (PMID: 17576681, 9536098). Algorithms developed to predict the effect of sequence changes on RNA splicing suggest that this variant may disrupt the consensus splice site. This sequence change falls in intron 22 of the PNPT1 gene. It does not directly change the encoded amino acid sequence of the PNPT1 protein. It affects a nucleotide within the consensus splice site. This variant is not present in population databases (gnomAD no frequency). This variant has not been reported in the literature in individuals affected with PNPT1-related conditions.

Literature cited by the submitters: PubMed 17576681; PubMed 9536098.

NM_033109.5(PNPT1):c.1822+4A>T

Gene: PNPT1 (polyribonucleotide nucleotidyltransferase 1; minus strand). Cytogenetic location: 2p16.1.
Variant type: single nucleotide variant.
Coding change: c.1822+4A>T on transcript NM_033109.5 (MANE Select); 4 bases into the intron after coding-DNA position 1822, A replaced by T.
Molecular consequence: intron variant.
Genome position (GRCh38, 1-based): chr2:55,645,345, T>A on the plus strand (A>T on the coding strand, the complement: PNPT1 is on the minus strand). VCF-style: chr2-55645345-T-A. GRCh37 (hg19) VCF-style: chr2-55872480-T-A.
Identifiers: ClinVar variation 2090249 (VCV002090249.4), dbSNP rs749575616, ClinGen allele CA2580067500.